The following is an entry in ClinVar:

NM_001697.3(ATP5PO):c.321T>C (p.Asn107=)

Gene: ATP5PO (ATP synthase peripheral stalk subunit OSCP; minus strand). Cytogenetic location: 21q22.11.
Variant type: single nucleotide variant.
Coding change: c.321T>C on transcript NM_001697.3 (MANE Select); coding-DNA position 321, T replaced by C.
Protein change: p.Asn107=; no amino-acid change (asparagine 107 retained).
Molecular consequence: synonymous variant.
Genome position (GRCh38, 1-based): chr21:33,909,089, A>G on the plus strand (T>C on the coding strand, the complement: ATP5PO is on the minus strand). VCF-style: chr21-33909089-A-G. GRCh37 (hg19) VCF-style: chr21-35281393-A-G.
Identifiers: ClinVar variation 1341585 (VCV001341585.4), dbSNP rs4591, ClinGen allele CA10012760.

ClinVar aggregate classification (germline): Benign. Review status: criteria provided, multiple submitters, no conflicts (2 of 4 stars). 3 submissions from 3 submitters: Benign (3). Last evaluated 2025-09-15.

Conditions:
ATP5PO-related disorder.

Allele frequency attached by ClinVar (database versions not stated): gnomAD exomes 0.68427 and 0.69038; ExAC 0.68993; TOPMed 0.69311; gnomAD 0.69442 and 0.69484; 1000 Genomes Project 30x 0.69519; ESP Exome Variant Server 0.70060; 1000 Genomes Project 0.70208.
gnomAD v4.1: 1,110,583 of 1,607,786 alleles (69%); highest among the groups gnomAD compares: South Asian, 73%; 384,644 homozygotes.

Submissions (3):

PreventionGenetics, part of Exact Sciences
Classification: Benign for ATP5PO-related condition. Last evaluated: 2025-09-15. Review status: criteria provided, single submitter. Criteria: ACMG Guidelines, 2015. Collection method: clinical testing. Allele origin: germline.
Comment: This variant is classified as benign based on ACMG/AMP sequence variant interpretation guidelines (Richards et al. 2015 PMID: 25741868, with internal and published modifications).

GeneDx
Classification: Benign. Last evaluated: 2022-02-11. Review status: criteria provided, single submitter. Criteria: GeneDx Variant Classification Process June 2021. Collection method: clinical testing. Allele origin: germline. Affected: yes.

Breakthrough Genomics
Classification: Benign. Review status: criteria provided, single submitter. Criteria: ACMG Guidelines, 2015. Collection method: not provided. Allele origin: germline. Inheritance: Unknown mechanism. Affected: yes.